The following is an entry in ClinVar:

ClinVar aggregate classification (germline): Uncertain significance (1 of 4 stars; one submission).

Allele frequency attached by ClinVar (database versions not stated): gnomAD exomes below 0.00001.
gnomAD v4.1: 1 of 1,612,222 alleles (0.000062%); highest among the groups gnomAD compares: Non-Finnish European, 0.000085%; no homozygotes.

Submission:

Labcorp Genetics (formerly Invitae), Labcorp
Classification: Uncertain significance. Last evaluated: 2018-10-10. Review status: criteria provided, single submitter. Criteria: Invitae Variant Classification Sherloc (09022015). Collection method: clinical testing. Allele origin: germline.
Comment: This sequence change replaces isoleucine with threonine at codon 242 of the RETREG1 protein (p.Ile242Thr). The isoleucine residue is moderately conserved and there is a moderate physicochemical difference between isoleucine and threonine. This variant is not present in population databases (ExAC no frequency). This variant has not been reported in the literature in individuals with RETREG1-related disease. Algorithms developed to predict the effect of missense changes on protein structure and function (SIFT, PolyPhen-2, Align-GVGD) all suggest that this variant is likely to be disruptive, but these predictions have not been confirmed by published functional studies and their clinical significance is uncertain. In summary, the available evidence is currently insufficient to determine the role of this variant in disease. Therefore, it has been classified as a Variant of Uncertain Significance.

NM_001034850.3(RETREG1):c.725T>C (p.Ile242Thr)

Gene: RETREG1 (reticulophagy regulator 1; minus strand). Cytogenetic location: 5p15.1.
Variant type: single nucleotide variant.
Coding change: c.725T>C on transcript NM_001034850.3 (MANE Select); coding-DNA position 725, T replaced by C.
Protein change: p.Ile242Thr; replaces isoleucine 242 with threonine.
Molecular consequence: missense variant.
Genome position (GRCh38, 1-based): chr5:16,478,933, A>G on the plus strand (T>C on the coding strand, the complement: RETREG1 is on the minus strand). VCF-style: chr5-16478933-A-G. GRCh37 (hg19) VCF-style: chr5-16479042-A-G.
Other names: c.302T>C, p.Ile101Thr (NM_019000.5); short protein forms I101T, I242T.
Identifiers: ClinVar variation 657147 (VCV000657147.8), dbSNP rs1579580998, ClinGen allele CA359258655.